The following is an entry in ClinVar:

ClinVar aggregate classification (germline): not provided (0 of 4 stars; one submission).

Conditions:
Normal pregnancy. Identifiers: MedGen C0232989.

Submission:

Institute of Molecular and Cell Biology, University of Tartu
No classification provided. Condition: Normal pregnancy. Review status: no classification provided. Collection method: case-control. Allele origin: unknown. Affected: yes. Study: Kasak2014.
Comment: The study aimed to determine the contribution of copy number variants in the genetic etiology of normal and complicated pregnancies. The samples represented (i) maternal blood DNA drawn from healthy pregnant women during 1st or 2nd trimester and (ii) maternal and paternal blood DNA drawn at term pregnancy cases representing normal and complicated gestations (severe preeclampsia, PE; gestational diabetes, GD; small-for-gestational age newborn, SGA; large-for-gestational age newborn, LGA). We performed CNV calling based on genome-wide genotyping dataset (Illumina HumanOmniExpress-24-v1 BeadChip) by applying three algorithms, QuantiSNP, GADA (Genome Alteration Detection Algorithm) and CNstream in parallel. The acquired CNV calls were merged with HD-CNV (Hotspot Detector for Copy Number Variants) program and only the CNVs predicted by at least two programs, were considered in subsequent analysis.

Literature cited by the submitters: PubMed 25666259.

NC_000004.12:g.79239311_79677559dup

Genes: GK2 (glycerol kinase 2; minus strand), LINC00989 (long intergenic non-protein coding RNA 989; plus strand), LINC01088 (long intergenic non-protein coding RNA 1088; plus strand), NAA11 (N-alpha-acetyltransferase 11, NatA catalytic subunit; minus strand). Cytogenetic location: 4q21.21.
Variant type: Duplication.
Identifiers: ClinVar variation 156922 (VCV000156922.2).